The following is an entry in ClinVar:

ClinVar aggregate classification (germline): Uncertain significance (1 of 4 stars; one submission).

Submission:

GeneDx
Classification: Uncertain significance. Last evaluated: 2023-12-31. Review status: criteria provided, single submitter. Criteria: GeneDx Variant Classification Process June 2021. Collection method: clinical testing. Allele origin: germline. Affected: yes.
Comment: Not observed at significant frequency in large population cohorts (gnomAD); In silico analysis supports that this missense variant does not alter protein structure/function; Has not been previously published as pathogenic or benign to our knowledge

NM_001005273.3(CHD3):c.4778T>C (p.Met1593Thr)

Gene: CHD3 (chromodomain helicase DNA binding protein 3; plus strand). Cytogenetic location: 17p13.1.
Variant type: single nucleotide variant.
Coding change: c.4778T>C on transcript NM_001005273.3 (MANE Select); coding-DNA position 4778, T replaced by C.
Protein change: p.Met1593Thr; replaces methionine 1593 with threonine.
Molecular consequence: missense variant.
Genome position (GRCh38, 1-based): chr17:7,907,237, T>C. VCF-style: chr17-7907237-T-C. GRCh37 (hg19) VCF-style: chr17-7810555-T-C.
Other names: c.4955T>C, p.Met1652Thr (NM_001005271.3); c.4778T>C, p.Met1593Thr (NM_005852.4); short protein forms M1593T, M1652T.
Identifiers: ClinVar variation 3370132 (VCV003370132.1).